The following is an entry in ClinVar:

ClinVar aggregate classification (germline): Uncertain significance (1 of 4 stars; one submission).

Conditions:
Primary ciliary dyskinesia. Also called: Ciliary dyskinesia. Identifiers: Orphanet 244, MedGen C0008780, MONDO:0016575, HP:0012265.

Allele frequency attached by ClinVar (database versions not stated): TOPMed below 0.00001; gnomAD 0.00001; gnomAD exomes 0.00002; ExAC 0.00003.

Submission:

Labcorp Genetics (formerly Invitae), Labcorp
Classification: Uncertain significance for Primary ciliary dyskinesia. Last evaluated: 2025-05-02. Review status: criteria provided, single submitter. Criteria: Invitae Variant Classification Sherloc (09022015). Collection method: clinical testing. Allele origin: germline.
Comment: This sequence change replaces arginine, which is basic and polar, with glutamine, which is neutral and polar, at codon 417 of the CCDC114 protein (p.Arg417Gln). This variant is present in population databases (rs765660029, gnomAD 0.01%). This variant has not been reported in the literature in individuals affected with CCDC114-related conditions. ClinVar contains an entry for this variant (Variation ID: 406186). An algorithm developed to predict the effect of missense changes on protein structure and function (PolyPhen-2) suggests that this variant is likely to be disruptive. In summary, the available evidence is currently insufficient to determine the role of this variant in disease. Therefore, it has been classified as a Variant of Uncertain Significance.

NM_001364171.2(ODAD1):c.1361G>A (p.Arg454Gln)

Gene: ODAD1 (outer dynein arm docking complex subunit 1; minus strand). Cytogenetic location: 19q13.33.
Variant type: single nucleotide variant.
Coding change: c.1361G>A on transcript NM_001364171.2 (MANE Select); coding-DNA position 1361, G replaced by A.
Protein change: p.Arg454Gln; replaces arginine 454 with glutamine.
Molecular consequence: missense variant.
Genome position (GRCh38, 1-based): chr19:48,298,220, C>T on the plus strand (G>A on the coding strand, the complement: ODAD1 is on the minus strand). VCF-style: chr19-48298220-C-T. GRCh37 (hg19) VCF-style: chr19-48801477-C-T.
Other names: c.1250G>A, p.Arg417Gln (NM_144577.4); short protein forms R417Q, R454Q.
Identifiers: ClinVar variation 406186 (VCV000406186.9), dbSNP rs765660029, ClinGen allele CA9548734.
Genomic context (GRCh38, chr19:48,298,220, plus strand): 5'-TCCCTGCCGTCTCCCACCTGGGCATGTAGGAAGGCCTGCACTGTCAGGAGCTCCACCAGC[C>T]GCTTCTCAATGAGGCTCAGGAAGAGGCCCATGTCCCGGTCTCCCATGCTGGTCTTGACCC-3'
Protein context (NP_001351100.1, residues 444-464): MGLFLSLIEK[Arg454Gln]LVELLTVQAF